The following is an entry in ClinVar:

ClinVar aggregate classification (germline): Uncertain significance. Review status: criteria provided, multiple submitters, no conflicts (2 of 4 stars). 2 submissions from 2 submitters: Uncertain significance (2). Last evaluated 2026-05-23.

Conditions:
Inborn genetic diseases. Identifiers: MedGen C0950123, MeSH D030342.
Neuroferritinopathy (NBIA3). Also called: NEURODEGENERATION WITH BRAIN IRON ACCUMULATION 3; BASAL GANGLIA DISEASE, ADULT-ONSET. Identifiers: Orphanet 157846, MedGen C1853578, MONDO:0011638, OMIM 606159.
Hereditary hyperferritinemia with congenital cataracts. Also called: HYPERFERRITINEMIA WITH OR WITHOUT CATARACT; Hereditary hyperferritinemia cataract syndrome; Bonneau-Beaumont syndrome. Identifiers: Orphanet 163, MedGen C1833213, MONDO:0010952, OMIM 600886.

Allele frequency attached by ClinVar (database versions not stated): gnomAD exomes 0.00001; TOPMed 0.00001; ExAC 0.00001; gnomAD 0.00001.
gnomAD v4.1: 15 of 1,613,518 alleles (0.00093%); highest among the groups gnomAD compares: Non-Finnish European, 0.0013%; no homozygotes.

Submissions (2):

Ambry Genetics
Classification: Uncertain significance for Inborn genetic diseases. Last evaluated: 2026-05-23. Review status: criteria provided, single submitter. Criteria: Ambry Variant Classification Scheme 2023. Collection method: clinical testing. Allele origin: germline.

Labcorp Genetics (formerly Invitae), Labcorp
Classification: Uncertain significance for Neuroferritinopathy; Hereditary hyperferritinemia with congenital cataracts. Last evaluated: 2025-03-03. Review status: criteria provided, single submitter. Criteria: Invitae Variant Classification Sherloc (09022015). Collection method: clinical testing. Allele origin: germline.
Comment: This sequence change replaces glutamic acid, which is acidic and polar, with aspartic acid, which is acidic and polar, at codon 164 of the FTL protein (p.Glu164Asp). This variant is present in population databases (rs770946603, gnomAD 0.002%). This variant has not been reported in the literature in individuals affected with FTL-related conditions. ClinVar contains an entry for this variant (Variation ID: 1436901). An algorithm developed to predict the effect of missense changes on protein structure and function (PolyPhen-2) suggests that this variant is likely to be tolerated. In summary, the available evidence is currently insufficient to determine the role of this variant in disease. Therefore, it has been classified as a Variant of Uncertain Significance.

NM_000146.4(FTL):c.492G>T (p.Glu164Asp)

Gene: FTL (ferritin light chain; plus strand). Cytogenetic location: 19q13.33.
Variant type: single nucleotide variant.
Coding change: c.492G>T on transcript NM_000146.4 (MANE Select); coding-DNA position 492, G replaced by T.
Protein change: p.Glu164Asp; replaces glutamic acid 164 with aspartic acid.
Molecular consequence: missense variant.
Genome position (GRCh38, 1-based): chr19:48,966,699, G>T. VCF-style: chr19-48966699-G-T. GRCh37 (hg19) VCF-style: chr19-49469956-G-T.
Other names: c.492G>T (NM_000146.3); short protein forms E164D.
Identifiers: ClinVar variation 1436901 (VCV001436901.9), dbSNP rs770946603, ClinGen allele CA9562591.